The following is an entry in ClinVar:

ClinVar aggregate classification (germline): Uncertain significance (1 of 4 stars; one submission).

Submission:

GeneDx
Classification: Uncertain significance. Last evaluated: 2023-02-27. Review status: criteria provided, single submitter. Criteria: GeneDx Variant Classification Process June 2021. Collection method: clinical testing. Allele origin: germline. Affected: yes.
Comment: Not observed at significant frequency in large population cohorts (gnomAD); In silico analysis supports that this missense variant does not alter protein structure/function; Has not been previously published as pathogenic or benign to our knowledge

NM_001042681.2(RERE):c.3274C>A (p.Gln1092Lys)

Gene: RERE (arginine-glutamic acid dipeptide repeats; minus strand). Cytogenetic location: 1p36.23.
Variant type: single nucleotide variant.
Coding change: c.3274C>A on transcript NM_001042681.2 (MANE Select); coding-DNA position 3274, C replaced by A.
Protein change: p.Gln1092Lys; replaces glutamine 1092 with lysine.
Molecular consequence: missense variant.
Genome position (GRCh38, 1-based): chr1:8,360,233, G>T on the plus strand (C>A on the coding strand, the complement: RERE is on the minus strand). VCF-style: chr1-8360233-G-T. GRCh37 (hg19) VCF-style: chr1-8420293-G-T.
Other names: c.1612C>A, p.Gln538Lys (NM_001042682.2); c.3274C>A, p.Gln1092Lys (NM_012102.4); short protein forms Q1092K, Q538K.
Identifiers: ClinVar variation 2577761 (VCV002577761.1), dbSNP rs2522710946, ClinGen allele CA338170936.